The following is an entry in ClinVar:

NM_003640.5(ELP1):c.520G>C (p.Glu174Gln)

Gene: ELP1 (elongator acetyltransferase complex subunit 1; minus strand). Cytogenetic location: 9q31.3.
Variant type: single nucleotide variant.
Coding change: c.520G>C on transcript NM_003640.5 (MANE Select); coding-DNA position 520, G replaced by C.
Protein change: p.Glu174Gln; replaces glutamic acid 174 with glutamine.
Molecular consequence: missense variant. On other transcripts: 5 prime UTR variant (1).
Genome position (GRCh38, 1-based): chr9:108,922,874, C>G on the plus strand (G>C on the coding strand, the complement: ELP1 is on the minus strand). VCF-style: chr9-108922874-C-G. GRCh37 (hg19) VCF-style: chr9-111685154-C-G.
Other names: c.520G>C (NM_003640.4); c.178G>C, p.Glu60Gln (NM_001318360.2); c.-340G>C (NM_001330749.2); short protein forms E174Q, E60Q.
Identifiers: ClinVar variation 3844547 (VCV003844547.2).

ClinVar aggregate classification (germline): Uncertain significance. Review status: criteria provided, multiple submitters, no conflicts (2 of 4 stars). 2 submissions from 2 submitters: Uncertain significance (2). Last evaluated 2026-08-05.

Conditions:
ELP1-related disorder. Also called: ELP1-related condition.

gnomAD v4.1: 17 of 1,613,972 alleles (0.0011%); highest among the groups gnomAD compares: South Asian, 0.011%; no homozygotes.

Submissions (2):

PreventionGenetics, part of Exact Sciences
Classification: Uncertain significance for ELP1-related condition. Last evaluated: 2026-08-05. Review status: criteria provided, single submitter. Criteria: ACMG Guidelines, 2015. Collection method: clinical testing. Allele origin: germline.
Comment: The ELP1 c.520G>C variant is predicted to result in the amino acid substitution p.Glu174Gln. To our knowledge, this variant has not been reported in the literature or in a large population database (gnomAD), indicating this variant is rare. At this time, the clinical significance of this variant is uncertain due to the absence of conclusive functional and genetic evidence.

Ambry Genetics
Classification: Uncertain significance. Last evaluated: 2025-02-24. Review status: criteria provided, single submitter. Criteria: Ambry Variant Classification Scheme 2023. Collection method: clinical testing. Allele origin: germline.